The following is an entry in ClinVar:

NM_001429.4(EP300):c.1422C>G (p.Pro474=)

Gene: EP300 (EP300 lysine acetyltransferase; plus strand). Cytogenetic location: 22q13.2.
Variant type: single nucleotide variant.
Coding change: c.1422C>G on transcript NM_001429.4 (MANE Select); coding-DNA position 1422, C replaced by G.
Protein change: p.Pro474=; no amino-acid change (proline 474 retained).
Molecular consequence: synonymous variant.
Genome position (GRCh38, 1-based): chr22:41,131,527, C>G. VCF-style: chr22-41131527-C-G. GRCh37 (hg19) VCF-style: chr22-41527531-C-G.
Other names: c.1422C>G, p.Pro474= (NM_001362843.2).
Identifiers: ClinVar variation 4996793 (VCV004996793.1).

ClinVar aggregate classification (germline): Likely benign (1 of 4 stars; one submission).

Conditions:
EP300-related disorder. Also called: EP300-related condition; EP300-related disorders.

gnomAD v4.1: 1 of 1,614,052 alleles (0.000062%); highest among the groups gnomAD compares: South Asian, 0.0011%; no homozygotes.

Submission:

PreventionGenetics, part of Exact Sciences
Classification: Likely benign for EP300-related condition. Last evaluated: 2025-09-04. Review status: criteria provided, single submitter. Criteria: ACMG Guidelines, 2015. Collection method: clinical testing. Allele origin: germline.
Comment: This variant is classified as likely benign based on ACMG/AMP sequence variant interpretation guidelines (Richards et al. 2015 PMID: 25741868, with internal and published modifications).